The following is an entry in ClinVar:

ClinVar aggregate classification (germline): Benign/Likely benign. Review status: criteria provided, multiple submitters, no conflicts (2 of 4 stars). 4 submissions from 4 submitters: Benign (2); Likely benign (1). 1 of the submissions does not count toward it. Last evaluated 2026-01-26.

Conditions:
ARHGEF18-related disorder. Also called: ARHGEF18-related condition.

Allele frequency attached by ClinVar (database versions not stated): gnomAD exomes 0.00020 and 0.00037; ExAC 0.00097; ESP Exome Variant Server 0.00108; gnomAD 0.00155 and 0.00165; TOPMed 0.00186; 1000 Genomes Project 0.00200; 1000 Genomes Project 30x 0.00234.
gnomAD v4.1: 541 of 1,566,578 alleles (0.035%); highest among the groups gnomAD compares: African/African-American, 0.56%; no homozygotes.

Submissions (4):

Labcorp Genetics (formerly Invitae), Labcorp
Classification: Benign. Last evaluated: 2026-01-26. Review status: criteria provided, single submitter. Criteria: Invitae Variant Classification Sherloc (09022015). Collection method: clinical testing. Allele origin: germline.

Blueprint Genetics
Classification: Likely benign. Last evaluated: 2024-11-11. Review status: criteria provided, single submitter. Criteria: ACMG Guidelines, 2015. Collection method: clinical testing. Allele origin: germline.

Breakthrough Genomics
Classification: Benign. Review status: criteria provided, single submitter. Criteria: ACMG Guidelines, 2015. Collection method: not provided. Allele origin: germline. Inheritance: Autosomal recessive inheritance. Affected: yes.

PreventionGenetics, part of Exact Sciences
Classification: Likely benign for ARHGEF18-related condition. Last evaluated: 2019-07-31. Review status: no assertion criteria provided. Collection method: clinical testing. Allele origin: germline. Not counted in ClinVar's aggregate classification.
Comment: This variant is classified as likely benign based on ACMG/AMP sequence variant interpretation guidelines (Richards et al. 2015 PMID: 25741868, with internal and published modifications).

NM_001367823.1(ARHGEF18):c.2452+7G>A

Gene: ARHGEF18 (Rho/Rac guanine nucleotide exchange factor 18; plus strand). Cytogenetic location: 19p13.2.
Variant type: single nucleotide variant.
Coding change: c.2452+7G>A on transcript NM_001367823.1 (MANE Select); 7 bases into the intron after coding-DNA position 2452, G replaced by A.
Molecular consequence: intron variant.
Genome position (GRCh38, 1-based): chr19:7,460,001, G>A. VCF-style: chr19-7460001-G-A. GRCh37 (hg19) VCF-style: chr19-7524887-G-A.
Other names: c.1414+7G>A (NM_001367824.1, NM_015318.4); c.1726+7G>A (NM_001130955.2).
Identifiers: ClinVar variation 717862 (VCV000717862.15), dbSNP rs200228591, ClinGen allele CA9136845.
Genomic context (GRCh38, chr19:7,460,001, plus strand): 5'-AAGAGGAAAGGAAGGTGGTCGAGGCCCGCGCCACGAGACTCCGGGACTTTCAAGGTGAGC[G>A]GGAGACAGCGTCTGGGCACACCCCTTGTGTGGTGAGCCCTGGGCCCTCCATCAGGACTGG-3'